The following is an entry in ClinVar:

ClinVar aggregate classification (germline): Uncertain significance (1 of 4 stars; one submission).

Submission:

GeneDx
Classification: Uncertain significance. Last evaluated: 2025-12-18. Review status: criteria provided, single submitter. Criteria: GeneDx Variant Classification Process June 2021. Collection method: clinical testing. Allele origin: germline. Affected: yes.
Comment: Not observed at significant frequency in large population cohorts (gnomAD); In silico analysis suggests that this missense variant does not alter protein structure/function; Has not been previously published as pathogenic or benign to our knowledge

NM_005629.4(SLC6A8):c.1762G>A (p.Ala588Thr)

Gene: SLC6A8 (solute carrier family 6 member 8; plus strand). Cytogenetic location: Xq28.
Variant type: single nucleotide variant.
Coding change: c.1762G>A on transcript NM_005629.4 (MANE Select); coding-DNA position 1762, G replaced by A.
Protein change: p.Ala588Thr; replaces alanine 588 with threonine.
Molecular consequence: missense variant.
Genome position (GRCh38, 1-based): chrX:153,694,884, G>A. VCF-style: chrX-153694884-G-A. GRCh37 (hg19) VCF-style: chrX-152960339-G-A.
Other names: c.1417G>A, p.Ala473Thr (NM_001142806.1); c.1732G>A, p.Ala578Thr (NM_001142805.2); short protein forms A473T, A578T, A588T.
Identifiers: ClinVar variation 2571734 (VCV002571734.2), dbSNP rs2522170386, ClinGen allele CA415091013.